The following is an entry in ClinVar:

NM_000179.3(MSH6):c.470A>T (p.Lys157Met)

Gene: MSH6 (mutS homolog 6; plus strand). Cytogenetic location: 2p16.3.
Variant type: single nucleotide variant.
Coding change: c.470A>T on transcript NM_000179.3 (MANE Select); coding-DNA position 470, A replaced by T.
Protein change: p.Lys157Met; replaces lysine 157 with methionine.
Molecular consequence: missense variant. On other transcripts: 5 prime UTR variant (1), intron variant (2).
Genome position (GRCh38, 1-based): chr2:47,795,906, A>T. VCF-style: chr2-47795906-A-T. GRCh37 (hg19) VCF-style: chr2-48023045-A-T.
Other names: c.-433A>T (NM_001281494.2); c.-279-2705A>T (NM_001281493.2); c.238-2705A>T (NM_001281492.2); short protein forms K157M.
Identifiers: ClinVar variation 410480 (VCV000410480.12), dbSNP rs1060502923, ClinGen allele CA16610916.

ClinVar aggregate classification (germline): Conflicting classifications of pathogenicity. Review status: criteria provided, conflicting classifications (1 of 4 stars). 3 submissions from 3 submitters: Uncertain significance (2); Likely benign (1). Last evaluated 2025-12-15.

Conditions:
Hereditary cancer-predisposing syndrome. Also called: Tumor predisposition; Hereditary Cancer Syndrome; Hereditary neoplastic syndrome; Neoplastic Syndromes, Hereditary. Identifiers: Orphanet 140162, MedGen C0027672, MeSH D009386, MONDO:0015356.
Hereditary nonpolyposis colorectal neoplasms. Identifiers: MedGen C0009405, MeSH D003123.

Allele frequency attached by ClinVar (database versions not stated): gnomAD exomes below 0.00001.

Submissions (3):

Labcorp Genetics (formerly Invitae), Labcorp
Classification: Likely benign for Hereditary nonpolyposis colorectal neoplasms. Last evaluated: 2025-12-15. Review status: criteria provided, single submitter. Criteria: Invitae Variant Classification Sherloc (09022015). Collection method: clinical testing. Allele origin: germline.

Quest Diagnostics Nichols Institute San Juan Capistrano
Classification: Uncertain significance. Last evaluated: 2024-11-29. Review status: criteria provided, single submitter. Criteria: Quest Diagnostics criteria. Collection method: clinical testing. Allele origin: unknown.
Comment: The MSH6 c.470A>T (p.Lys157Met) variant has not been reported in individuals with MSH6-related conditions in the published literature. The frequency of this variant in the general population, 0.000004 (1/251238 chromosomes (Genome Aggregation Database)), is uninformative in the assessment of its pathogenicity. Analysis of this variant using bioinformatics tools for the prediction of the effect of amino acid changes on protein structure and function yielded conflicting predictions that this variant is benign or damaging. Based on the available information, we are unable to determine the clinical significance of this variant.

Ambry Genetics
Classification: Uncertain significance for Hereditary cancer-predisposing syndrome. Last evaluated: 2024-01-31. Review status: criteria provided, single submitter. Criteria: Ambry Variant Classification Scheme 2023. Collection method: clinical testing. Allele origin: germline.
Comment: The p.K157M variant (also known as c.470A>T), located in coding exon 3 of the MSH6 gene, results from an A to T substitution at nucleotide position 470. The lysine at codon 157 is replaced by methionine, an amino acid with similar properties. This amino acid position is conserved. In addition, this alteration is predicted to be tolerated by in silico analysis. Based on the available evidence, the clinical significance of this alteration remains unclear.